The following is an entry in ClinVar:

ClinVar aggregate classification (germline): Pathogenic (1 of 4 stars; one submission).

Conditions:
Familial melanoma. Also called: Hereditary melanoma; Hereditary cutaneous melanoma. Identifiers: Orphanet 618, MedGen C1512419, MONDO:0018961.

Submission:

Labcorp Genetics (formerly Invitae), Labcorp
Classification: Pathogenic for Familial melanoma. Last evaluated: 2023-09-04. Review status: criteria provided, single submitter. Criteria: Invitae Variant Classification Sherloc (09022015). Collection method: clinical testing. Allele origin: germline.
Comment: For these reasons, this variant has been classified as Pathogenic. While the evidence indicates that this variant confers risk of developing CDKN2A (p16INK4a)-associated conditions, its association with risk for developing CDKN2A (p14ARF)-associated conditions is still unclear. This variant is also known as c.291_315del (p.Arg98Aspfs*66) in CDKN2A (p14ARF) transcript NM_058195.3. This variant disrupts a region of the CDKN2A (p16INK4a) protein in which other variant(s) (p.Val126Asp) have been determined to be pathogenic (PMID: 7987387, 9425228, 15146471, 16905682, 20340136, 23371019, 25356972). This suggests that this is a clinically significant region of the protein, and that variants that disrupt it are likely to be disease-causing. This variant has not been reported in the literature in individuals affected with CDKN2A (p16INK4a)-related conditions. This variant is not present in population databases (gnomAD no frequency). This sequence change creates a premature translational stop signal (p.His83Argfs*55) in the CDKN2A (p16INK4a) gene. While this is not anticipated to result in nonsense mediated decay, it is expected to disrupt the last 74 amino acid(s) of the CDKN2A (p16INK4a) protein. The CDKN2A gene encodes two different proteins, p16INK4a and p14ARF, which are translated from alternative transcripts with different open reading frames. Both transcripts have been analyzed. We report either the variant with the higher classification or default to the CDKN2A (p16INK4a) variant. This report therefore includes the details for the CDKN2A (p16INK4a) variant.

Literature cited by the submitters: PubMed 7987387; PubMed 9425228; PubMed 15146471; PubMed 16905682; PubMed 20340136; PubMed 23371019; PubMed 25356972.

NM_000077.5(CDKN2A):c.248_272del (p.His83fs)

Gene: CDKN2A (cyclin dependent kinase inhibitor 2A; minus strand). Cytogenetic location: 9p21.3.
Variant type: Deletion.
Coding change: c.248_272del on transcript NM_000077.5; coding-DNA positions 248 to 272, 25 bases deleted (ACGACGCTGCCCGGGAGGGCTTCCT).
Protein change: p.His83fs; shifts the reading frame from histidine 83.
Molecular consequence: frameshift variant (on NM_000077.6). On other transcripts: 3 prime UTR variant (1).
Genome position (GRCh38, 1-based): chr9:21,971,087-21,971,111, AGGAAGCCCTCCCGGGCAGCGTCGT deleted on the plus strand (ACGACGCTGCCCGGGAGGGCTTCCT on the coding strand, the reverse complement: CDKN2A is on the minus strand). VCF-style (leftmost placement, unchanged base first): chr9-21971086-CAGGAAGCCCTCCCGGGCAGCGTCGT-C. GRCh37 (hg19) VCF-style: chr9-21971085-CAGGAAGCCCTCCCGGGCAGCGTCGT-C.
Other names: c.248_272del25, p.His83Argfs (NM_000077.6); c.248_272del, p.His83fs (NM_001195132.2); c.95_119del, p.His32fs (NM_001363763.2); c.291_315del, p.Arg98fs (NM_058195.4); c.*171_*195del (NM_058197.5); short protein forms R98fs, H32fs, H83fs.
Identifiers: ClinVar variation 2855411 (VCV002855411.3), dbSNP rs2489275366, ClinGen allele CA2739269177.